The following is an entry in ClinVar:

NM_002430.3(MN1):c.3700G>T (p.Ala1234Ser)

Gene: MN1 (MN1 proto-oncogene, transcriptional regulator; minus strand). Cytogenetic location: 22q12.1.
Variant type: single nucleotide variant.
Coding change: c.3700G>T on transcript NM_002430.3 (MANE Select); coding-DNA position 3700, G replaced by T.
Protein change: p.Ala1234Ser; replaces alanine 1234 with serine.
Molecular consequence: missense variant.
Genome position (GRCh38, 1-based): chr22:27,796,844, C>A on the plus strand (G>T on the coding strand, the complement: MN1 is on the minus strand). VCF-style: chr22-27796844-C-A. GRCh37 (hg19) VCF-style: chr22-28192832-C-A.
Other names: short protein forms A1234S.
Identifiers: ClinVar variation 4527819 (VCV004527819.1).
Genomic context (GRCh38, chr22:27,796,844, plus strand): 5'-GGGGTTTGGCCTTCTCCCAGGGCGCCAACGTCTTGTCGTCGTCCGCGCTGTCCACCAGGG[C>A]CTTGTCAGCGGGCATGTACCAGGCAGCGCTGTGCTCTGCCATCAGCGAGTCCAGGTCAAT-3'
Protein context (NP_002421.3, residues 1224-1244): SAAWYMPADK[Ala1234Ser]LVDSADDDKT

ClinVar aggregate classification (germline): Uncertain significance (1 of 4 stars; one submission).

Submission:

GeneDx
Classification: Uncertain significance. Last evaluated: 2025-04-30. Review status: criteria provided, single submitter. Criteria: GeneDx Variant Classification Process June 2021. Collection method: clinical testing. Allele origin: germline. Affected: yes.
Comment: Not observed at significant frequency in large population cohorts (gnomAD); In silico analysis indicates that this missense variant does not alter protein structure/function; Has not been previously published as pathogenic or benign to our knowledge